The following is an entry in ClinVar:

ClinVar aggregate classification (germline): Uncertain significance (1 of 4 stars; one submission).

Conditions:
Baller-Gerold syndrome (BGS). Also called: CRANIOSYNOSTOSIS WITH RADIAL DEFECTS. Identifiers: Orphanet 1225, MedGen C0265308, MONDO:0009039, OMIM 218600.

gnomAD v4.1: 1 of 1,612,348 alleles (0.000062%); highest among the groups gnomAD compares: Non-Finnish European, 0.000085%; no homozygotes.

Submission:

Labcorp Genetics (formerly Invitae), Labcorp
Classification: Uncertain significance for Baller-Gerold syndrome. Last evaluated: 2023-09-14. Review status: criteria provided, single submitter. Criteria: Invitae Variant Classification Sherloc (09022015). Collection method: clinical testing. Allele origin: germline.
Comment: This sequence change replaces histidine, which is basic and polar, with glutamine, which is neutral and polar, at codon 933 of the RECQL4 protein (p.His933Gln). This variant is not present in population databases (gnomAD no frequency). In summary, the available evidence is currently insufficient to determine the role of this variant in disease. Therefore, it has been classified as a Variant of Uncertain Significance. Advanced modeling of protein sequence and biophysical properties (such as structural, functional, and spatial information, amino acid conservation, physicochemical variation, residue mobility, and thermodynamic stability) performed at Invitae indicates that this missense variant is not expected to disrupt RECQL4 protein function. This variant has not been reported in the literature in individuals affected with RECQL4-related conditions.

NM_004260.4(RECQL4):c.2799C>G (p.His933Gln)

Gene: RECQL4 (RecQ like helicase 4; minus strand). Cytogenetic location: 8q24.3.
Variant type: single nucleotide variant.
Coding change: c.2799C>G on transcript NM_004260.4 (MANE Select); coding-DNA position 2799, C replaced by G.
Protein change: p.His933Gln; replaces histidine 933 with glutamine.
Molecular consequence: missense variant. On other transcripts: non-coding transcript variant (3).
Genome position (GRCh38, 1-based): chr8:144,512,728, G>C on the plus strand (C>G on the coding strand, the complement: RECQL4 is on the minus strand). VCF-style: chr8-144512728-G-C. GRCh37 (hg19) VCF-style: chr8-145738111-G-C.
Other names: c.2505C>G, p.His835Gln (NM_001413017.1); c.2601C>G, p.His867Gln (NM_001413018.1); c.2874C>G, p.His958Gln (NM_001413019.1); c.2703C>G, p.His901Gln (NM_001413020.1); c.1728C>G, p.His576Gln (NM_001413021.1, NM_001413022.1, NM_001413024.1 and 4 more transcripts); c.1803C>G, p.His601Gln (NM_001413023.1); c.2670C>G, p.His890Gln (NM_001413025.1); c.1662C>G, p.His554Gln (NM_001413027.1, NM_001413030.1, NM_001413032.1); and 9 more; short protein forms H532Q, H566Q, H816Q, H554Q, H867Q, H890Q, H901Q, H933Q.
Identifiers: ClinVar variation 2760599 (VCV002760599.3), dbSNP rs769613313, ClinGen allele CA372674391.